The following is an entry in ClinVar:

NM_001271.4(CHD2):c.4261A>G (p.Lys1421Glu)

Gene: CHD2 (chromodomain helicase DNA binding protein 2; plus strand). Cytogenetic location: 15q26.1.
Variant type: single nucleotide variant.
Coding change: c.4261A>G on transcript NM_001271.4 (MANE Select); coding-DNA position 4261, A replaced by G.
Protein change: p.Lys1421Glu; replaces lysine 1421 with glutamic acid.
Molecular consequence: missense variant.
Genome position (GRCh38, 1-based): chr15:93,002,300, A>G. VCF-style: chr15-93002300-A-G. GRCh37 (hg19) VCF-style: chr15-93545530-A-G.
Other names: short protein forms K1421E.
Identifiers: ClinVar variation 1721662 (VCV001721662.30), dbSNP rs770837122, ClinGen allele CA7748421.

ClinVar aggregate classification (germline): Uncertain significance. Review status: criteria provided, multiple submitters, no conflicts (2 of 4 stars). 2 submissions from 2 submitters: Uncertain significance (2). Last evaluated 2023-05-01.

Conditions:
Developmental and epileptic encephalopathy 94 (DEE94). Also called: Epileptic encephalopathy, childhood-onset; CHD2-Related Neurodevelopmental Disorders. Identifiers: Orphanet 1942, Orphanet 2382, MedGen C3809278, MONDO:0014150, OMIM 615369.

Allele frequency attached by ClinVar (database versions not stated): ExAC 0.00001; gnomAD 0.00001; TOPMed 0.00001.
gnomAD v4.1: 1 of 1,596,190 alleles (0.000063%); highest among the groups gnomAD compares: Non-Finnish European, 0.000085%; no homozygotes.

Submissions (2):

CeGaT Center for Human Genetics Tuebingen
Classification: Uncertain significance. Last evaluated: 2023-05-01. Review status: criteria provided, single submitter. Criteria: CeGaT Center For Human Genetics Tuebingen Variant Classification Criteria Version 2. Collection method: clinical testing. Allele origin: germline. Affected: yes. Observed: 1 variant allele.
Comment: CHD2: PM2:Supporting

Labcorp Genetics (formerly Invitae), Labcorp
Classification: Uncertain significance for Developmental and epileptic encephalopathy 94. Last evaluated: 2022-11-20. Review status: criteria provided, single submitter. Criteria: Invitae Variant Classification Sherloc (09022015). Collection method: clinical testing. Allele origin: germline.
Comment: In summary, the available evidence is currently insufficient to determine the role of this variant in disease. Therefore, it has been classified as a Variant of Uncertain Significance. Advanced modeling of protein sequence and biophysical properties (such as structural, functional, and spatial information, amino acid conservation, physicochemical variation, residue mobility, and thermodynamic stability) performed at Invitae indicates that this missense variant is not expected to disrupt CHD2 protein function. This variant has not been reported in the literature in individuals affected with CHD2-related conditions. The frequency data for this variant in the population databases is considered unreliable, as metrics indicate poor data quality at this position in the gnomAD database. This sequence change replaces lysine, which is basic and polar, with glutamic acid, which is acidic and polar, at codon 1421 of the CHD2 protein (p.Lys1421Glu).